The following is an entry in ClinVar:

NM_032229.3(SLITRK6):c.1112C>T (p.Ala371Val)

Gene: SLITRK6 (SLIT and NTRK like family member 6; minus strand). Cytogenetic location: 13q31.1.
Variant type: single nucleotide variant.
Coding change: c.1112C>T on transcript NM_032229.3 (MANE Select); coding-DNA position 1112, C replaced by T.
Protein change: p.Ala371Val; replaces alanine 371 with valine.
Molecular consequence: missense variant.
Genome position (GRCh38, 1-based): chr13:85,795,397, G>A on the plus strand (C>T on the coding strand, the complement: SLITRK6 is on the minus strand). VCF-style: chr13-85795397-G-A. GRCh37 (hg19) VCF-style: chr13-86369532-G-A.
Other names: short protein forms A371V.
Identifiers: ClinVar variation 1032946 (VCV001032946.2), dbSNP rs748560091, ClinGen allele CA7015160.

ClinVar aggregate classification (germline): Uncertain significance. Review status: criteria provided, multiple submitters, no conflicts (2 of 4 stars). 2 submissions from 2 submitters: Uncertain significance (2). Last evaluated 2021-09-07.

Conditions:
High myopia-sensorineural deafness syndrome. Also called: Deafness and myopia. Identifiers: Orphanet 363396, MedGen C3806275, MONDO:0009082, OMIM 221200.

Allele frequency attached by ClinVar (database versions not stated): gnomAD exomes below 0.00001 and 0.00001; ExAC 0.00001; gnomAD 0.00001; TOPMed 0.00001.

Submissions (2):

Fulgent Genetics
Classification: Uncertain significance for High myopia-sensorineural deafness syndrome. Last evaluated: 2021-09-07. Review status: criteria provided, single submitter. Criteria: ACMG Guidelines, 2015. Collection method: clinical testing. Allele origin: unknown.

Baylor Genetics
Classification: Uncertain significance for High myopia-sensorineural deafness syndrome. Last evaluated: 2018-07-31. Review status: criteria provided, single submitter. Criteria: ACMG Guidelines, 2015. Collection method: clinical testing. Allele origin: paternal. Affected: yes.
Comment: This variant was determined to be of uncertain significance according to ACMG Guidelines, 2015 [PMID:25741868].